The following is an entry in ClinVar:

ClinVar aggregate classification (germline): Uncertain significance (1 of 4 stars; one submission).

gnomAD v4.1: 1 of 1,613,780 alleles (0.000062%); highest among the groups gnomAD compares: Non-Finnish European, 0.000085%; no homozygotes.

Submission:

Labcorp Genetics (formerly Invitae), Labcorp
Classification: Uncertain significance. Last evaluated: 2024-10-17. Review status: criteria provided, single submitter. Criteria: Invitae Variant Classification Sherloc (09022015). Collection method: clinical testing. Allele origin: germline.
Comment: This sequence change replaces valine, which is neutral and non-polar, with leucine, which is neutral and non-polar, at codon 139 of the DUOX2 protein (p.Val139Leu). This variant is not present in population databases (gnomAD no frequency). This variant has not been reported in the literature in individuals affected with DUOX2-related conditions. Invitae Evidence Modeling of protein sequence and biophysical properties (such as structural, functional, and spatial information, amino acid conservation, physicochemical variation, residue mobility, and thermodynamic stability) indicates that this missense variant is not expected to disrupt DUOX2 protein function with a negative predictive value of 80%. In summary, the available evidence is currently insufficient to determine the role of this variant in disease. Therefore, it has been classified as a Variant of Uncertain Significance.

NM_001363711.2(DUOX2):c.415G>T (p.Val139Leu)

Gene: DUOX2 (dual oxidase 2; minus strand). Cytogenetic location: 15q21.1.
Variant type: single nucleotide variant.
Coding change: c.415G>T on transcript NM_001363711.2 (MANE Select); coding-DNA position 415, G replaced by T.
Protein change: p.Val139Leu; replaces valine 139 with leucine.
Molecular consequence: missense variant.
Genome position (GRCh38, 1-based): chr15:45,111,866, C>A on the plus strand (G>T on the coding strand, the complement: DUOX2 is on the minus strand). VCF-style: chr15-45111866-C-A. GRCh37 (hg19) VCF-style: chr15-45404064-C-A.
Other names: c.415G>T, p.Val139Leu (NM_014080.5); short protein forms V139L.
Identifiers: ClinVar variation 3671585 (VCV003671585.2).